The following is an entry in ClinVar:

ClinVar aggregate classification (germline): Uncertain significance. Review status: criteria provided, multiple submitters, no conflicts (2 of 4 stars). 2 submissions from 2 submitters: Uncertain significance (2). Last evaluated 2025-01-10.

Allele frequency attached by ClinVar (database versions not stated): gnomAD 0.00003; TOPMed 0.00003.
gnomAD v4.1: 4 of 1,613,564 alleles (0.00025%); highest among the groups gnomAD compares: African/African-American, 0.0053%; no homozygotes.

Submissions (2):

Ambry Genetics
Classification: Uncertain significance. Last evaluated: 2025-01-10. Review status: criteria provided, single submitter. Criteria: Ambry Variant Classification Scheme 2023. Collection method: clinical testing. Allele origin: germline.

Labcorp Genetics (formerly Invitae), Labcorp
Classification: Uncertain significance. Last evaluated: 2023-12-28. Review status: criteria provided, single submitter. Criteria: Invitae Variant Classification Sherloc (09022015). Collection method: clinical testing. Allele origin: germline.
Comment: This sequence change replaces serine, which is neutral and polar, with phenylalanine, which is neutral and non-polar, at codon 1528 of the HMCN1 protein (p.Ser1528Phe). This variant is present in population databases (no rsID available, gnomAD 0.008%). This variant has not been reported in the literature in individuals affected with HMCN1-related conditions. ClinVar contains an entry for this variant (Variation ID: 1929990). An algorithm developed to predict the effect of missense changes on protein structure and function (PolyPhen-2) suggests that this variant is likely to be disruptive. In summary, the available evidence is currently insufficient to determine the role of this variant in disease. Therefore, it has been classified as a Variant of Uncertain Significance.

NM_031935.3(HMCN1):c.4583C>T (p.Ser1528Phe)

Gene: HMCN1 (hemicentin 1; plus strand). Cytogenetic location: 1q31.1.
Variant type: single nucleotide variant.
Coding change: c.4583C>T on transcript NM_031935.3 (MANE Select); coding-DNA position 4583, C replaced by T.
Protein change: p.Ser1528Phe; replaces serine 1528 with phenylalanine.
Molecular consequence: missense variant.
Genome position (GRCh38, 1-based): chr1:186,007,235, C>T. VCF-style: chr1-186007235-C-T. GRCh37 (hg19) VCF-style: chr1-185976367-C-T.
Other names: c.4583C>T (NM_031935.2); short protein forms S1528F.
Identifiers: ClinVar variation 1929990 (VCV001929990.6), dbSNP rs1464466437, ClinGen allele CA343881460.